The following is an entry in ClinVar:

ClinVar aggregate classification (germline): Uncertain significance. Review status: criteria provided, multiple submitters, no conflicts (2 of 4 stars). 2 submissions from 2 submitters: Uncertain significance (2). Last evaluated 2023-07-19.

Conditions:
Hereditary cancer-predisposing syndrome. Also called: Tumor predisposition; Hereditary Cancer Syndrome; Hereditary neoplastic syndrome; Neoplastic Syndromes, Hereditary. Identifiers: Orphanet 140162, MedGen C0027672, MeSH D009386, MONDO:0015356.

Submissions (2):

Ambry Genetics
Classification: Uncertain significance for Hereditary cancer-predisposing syndrome. Last evaluated: 2023-07-19. Review status: criteria provided, single submitter. Criteria: Ambry Variant Classification Scheme 2023. Collection method: clinical testing. Allele origin: germline.
Comment: The p.K131N variant (also known as c.393A>T), located in coding exon 4 of the FH gene, results from an A to T substitution at nucleotide position 393. The lysine at codon 131 is replaced by asparagine, an amino acid with similar properties. This amino acid position is highly conserved in available vertebrate species. In addition, the in silico prediction for this alteration is inconclusive. Since supporting evidence is limited at this time, the clinical significance of this alteration remains unclear.

Labcorp Genetics (formerly Invitae), Labcorp
Classification: Uncertain significance. Last evaluated: 2023-06-07. Review status: criteria provided, single submitter. Criteria: Invitae Variant Classification Sherloc (09022015). Collection method: clinical testing. Allele origin: germline.
Comment: In summary, the available evidence is currently insufficient to determine the role of this variant in disease. Therefore, it has been classified as a Variant of Uncertain Significance. Advanced modeling of protein sequence and biophysical properties (such as structural, functional, and spatial information, amino acid conservation, physicochemical variation, residue mobility, and thermodynamic stability) has been performed at Invitae for this missense variant, however the output from this modeling did not meet the statistical confidence thresholds required to predict the impact of this variant on FH protein function. ClinVar contains an entry for this variant (Variation ID: 1478072). This variant has not been reported in the literature in individuals affected with FH-related conditions. This variant is not present in population databases (gnomAD no frequency). This sequence change replaces lysine, which is basic and polar, with asparagine, which is neutral and polar, at codon 131 of the FH protein (p.Lys131Asn).

NM_000143.4(FH):c.393A>T (p.Lys131Asn)

Gene: FH (fumarate hydratase; minus strand). Cytogenetic location: 1q43.
Variant type: single nucleotide variant.
Coding change: c.393A>T on transcript NM_000143.4 (MANE Select); coding-DNA position 393, A replaced by T.
Protein change: p.Lys131Asn; replaces lysine 131 with asparagine.
Molecular consequence: missense variant.
Genome position (GRCh38, 1-based): chr1:241,512,129, T>A on the plus strand (A>T on the coding strand, the complement: FH is on the minus strand). VCF-style: chr1-241512129-T-A. GRCh37 (hg19) VCF-style: chr1-241675429-T-A.
Other names: c.393A>T (NM_000143.3); short protein forms K131N.
Identifiers: ClinVar variation 1478072 (VCV001478072.7), dbSNP rs2147922022, ClinGen allele CA345440202.
Genomic context (GRCh38, chr1:241,512,129, plus strand): 5'-CATATTTGTCTGAGTTCCTGATCCAGTCTGCCATACCACGAGAGGAAAATGATCATTTAA[T>A]TTACCTTCAGCTACCTGCAGAAAAAATGTTAAAAATGTATTTTAAAAAAGGAAATAATAA-3'
Protein context (NP_000134.2, residues 121-141): MKAADEVAEG[Lys131Asn]LNDHFPLVVW